The following is an entry in ClinVar:

NM_003239.5(TGFB3):c.388A>C (p.Lys130Gln)

Gene: TGFB3 (transforming growth factor beta 3; minus strand). Cytogenetic location: 14q24.3.
Variant type: single nucleotide variant.
Coding change: c.388A>C on transcript NM_003239.5 (MANE Select); coding-DNA position 388, A replaced by C.
Protein change: p.Lys130Gln; replaces lysine 130 with glutamine.
Molecular consequence: missense variant.
Genome position (GRCh38, 1-based): chr14:75,971,683, T>G on the plus strand (A>C on the coding strand, the complement: TGFB3 is on the minus strand). VCF-style: chr14-75971683-T-G. GRCh37 (hg19) VCF-style: chr14-76438026-T-G.
Other names: c.388A>C, p.Lys130Gln (NM_001329938.2, NM_001329939.2); short protein forms K130Q.
Identifiers: ClinVar variation 4865650 (VCV004865650.1).

ClinVar aggregate classification (germline): Uncertain significance (1 of 4 stars; one submission).

Conditions:
Familial thoracic aortic aneurysm and aortic dissection (TAAD). Also called: Thoracic aortic aneurysms and dissections. Identifiers: Orphanet 91387, MedGen C4707243, MONDO:0019625.

Submission:

Ambry Genetics
Classification: Uncertain significance for Familial thoracic aortic aneurysm and aortic dissection. Last evaluated: 2026-03-21. Review status: criteria provided, single submitter. Criteria: Ambry Variant Classification Scheme 2023. Collection method: clinical testing. Allele origin: germline.
Comment: The p.K130Q variant (also known as c.388A>C), located in coding exon 2 of the TGFB3 gene, results from an A to C substitution at nucleotide position 388. The lysine at codon 130 is replaced by glutamine, an amino acid with similar properties. This amino acid position is conserved. In addition, this alteration is predicted to be tolerated by in silico analysis. Based on the available evidence, the clinical significance of this variant remains unclear.